The following is an entry in ClinVar:

ClinVar aggregate classification (germline): Uncertain significance (1 of 4 stars; one submission).

Submission:

Labcorp Genetics (formerly Invitae), Labcorp
Classification: Uncertain significance. Last evaluated: 2022-05-14. Review status: criteria provided, single submitter. Criteria: Invitae Variant Classification Sherloc (09022015). Collection method: clinical testing. Allele origin: germline.
Comment: This sequence change replaces glycine, which is neutral and non-polar, with glutamic acid, which is acidic and polar, at codon 3972 of the ADGRV1 protein (p.Gly3972Glu). This variant is not present in population databases (gnomAD no frequency). This variant has not been reported in the literature in individuals affected with ADGRV1-related conditions. Algorithms developed to predict the effect of missense changes on protein structure and function are either unavailable or do not agree on the potential impact of this missense change (SIFT: "Deleterious"; PolyPhen-2: "Probably Damaging"; Align-GVGD: "Class C0"). In summary, the available evidence is currently insufficient to determine the role of this variant in disease. Therefore, it has been classified as a Variant of Uncertain Significance.

NM_032119.4(ADGRV1):c.11915G>A (p.Gly3972Glu)

Gene: ADGRV1 (adhesion G protein-coupled receptor V1; plus strand). Cytogenetic location: 5q14.3.
Variant type: single nucleotide variant.
Coding change: c.11915G>A on transcript NM_032119.4 (MANE Select); coding-DNA position 11915, G replaced by A.
Protein change: p.Gly3972Glu; replaces glycine 3972 with glutamic acid.
Molecular consequence: missense variant. On other transcripts: non-coding transcript variant (1).
Genome position (GRCh38, 1-based): chr5:90,757,136, G>A. VCF-style: chr5-90757136-G-A. GRCh37 (hg19) VCF-style: chr5-90052953-G-A.
Other names: short protein forms G3972E.
Identifiers: ClinVar variation 2133357 (VCV002133357.4), dbSNP rs972483764, ClinGen allele CA122799188.